The following is an entry in ClinVar:

ClinVar aggregate classification (germline): Uncertain significance (1 of 4 stars; one submission).

Conditions:
Early-onset Lafora body disease. Also called: Epilepsy, progressive myoclonic, 10. Identifiers: Orphanet 324290, MedGen C4225258, MONDO:0014717, OMIM 616640.

gnomAD v4.1: 1 of 1,464,356 alleles (0.000068%); highest among the groups gnomAD compares: Non-Finnish European, 0.00009%; no homozygotes.

Submission:

Labcorp Genetics (formerly Invitae), Labcorp
Classification: Uncertain significance for Early-onset Lafora body disease. Last evaluated: 2022-07-11. Review status: criteria provided, single submitter. Criteria: Invitae Variant Classification Sherloc (09022015). Collection method: clinical testing. Allele origin: germline.
Comment: In summary, the available evidence is currently insufficient to determine the role of this variant in disease. Therefore, it has been classified as a Variant of Uncertain Significance. Algorithms developed to predict the effect of missense changes on protein structure and function are either unavailable or do not agree on the potential impact of this missense change (SIFT: "Deleterious"; PolyPhen-2: "Benign"; Align-GVGD: "Class C0"). ClinVar contains an entry for this variant (Variation ID: 1026070). This variant has not been reported in the literature in individuals affected with PRDM8-related conditions. This variant is not present in population databases (gnomAD no frequency). This sequence change replaces serine, which is neutral and polar, with tryptophan, which is neutral and slightly polar, at codon 494 of the PRDM8 protein (p.Ser494Trp).

NM_001099403.2(PRDM8):c.1481C>G (p.Ser494Trp)

Genes: PRDM8 (PR/SET domain 8; plus strand), LOC129992745 (ATAC-STARR-seq lymphoblastoid silent region 15522; plus strand). Cytogenetic location: 4q21.21.
Variant type: single nucleotide variant.
Coding change: c.1481C>G on transcript NM_001099403.2 (MANE Select); coding-DNA position 1481, C replaced by G.
Protein change: p.Ser494Trp; replaces serine 494 with tryptophan.
Molecular consequence: missense variant.
Genome position (GRCh38, 1-based): chr4:80,202,943, C>G. VCF-style: chr4-80202943-C-G. GRCh37 (hg19) VCF-style: chr4-81124097-C-G.
Other names: c.1481C>G, p.Ser494Trp (NM_020226.4); short protein forms S494W.
Identifiers: ClinVar variation 1026070 (VCV001026070.7), dbSNP rs1738658290, ClinGen allele CA357400961.